The following is an entry in ClinVar:

NM_000059.4(BRCA2):c.9605C>T (p.Pro3202Leu)

Gene: BRCA2 (BRCA2 DNA repair associated; plus strand). Cytogenetic location: 13q13.1.
Variant type: single nucleotide variant.
Coding change: c.9605C>T on transcript NM_000059.4 (MANE Select); coding-DNA position 9605, C replaced by T.
Protein change: p.Pro3202Leu; replaces proline 3202 with leucine.
Molecular consequence: missense variant.
Genome position (GRCh38, 1-based): chr13:32,397,001, C>T. VCF-style: chr13-32397001-C-T. GRCh37 (hg19) VCF-style: chr13-32971138-C-T.
Other names: short protein forms P3202L.
Identifiers: ClinVar variation 38254 (VCV000038254.27), dbSNP rs397507432, ClinGen allele CA026229.

ClinVar aggregate classification (germline): Benign/Likely benign. Review status: criteria provided, multiple submitters, no conflicts (2 of 4 stars). 8 submissions from 8 submitters: Benign (2); Likely benign (4). 2 of the submissions do not count toward it. Last evaluated 2025-10-17.

Conditions:
Hereditary cancer-predisposing syndrome. Also called: Tumor predisposition; Neoplastic Syndromes, Hereditary; Hereditary neoplastic syndrome; Hereditary Cancer Syndrome. Identifiers: Orphanet 140162, MedGen C0027672, MeSH D009386, MONDO:0015356.
Hereditary breast ovarian cancer syndrome. Also called: Hereditary breast and ovarian cancer; Hereditary breast and ovarian cancer syndrome (HBOC); Hereditary breast and/or ovarian cancer syndrome; Breast and ovarian cancer; Hereditary breast and ovarian cancer syndrome; BRCA1- and BRCA2-Associated Hereditary Breast and Ovarian Cancer. Identifiers: Orphanet 145, MedGen C0677776, MeSH D061325, MONDO:0003582. Disease mechanism: loss of function.
Breast-ovarian cancer, familial, susceptibility to, 2 (BROVCA2). Also called: BRCA2 Hereditary Breast and Ovarian Cancer. Identifiers: Orphanet 145, MedGen C2675520, MONDO:0012933, OMIM 612555. Disease mechanism: loss of function.

Allele frequency attached by ClinVar (database versions not stated): gnomAD exomes below 0.00001 and 0.00001; TOPMed 0.00001.
gnomAD v4.1: 8 of 1,613,938 alleles (0.0005%); highest among the groups gnomAD compares: East Asian, 0.0022%; no homozygotes.

Submissions (8):

Labcorp Genetics (formerly Invitae), Labcorp
Classification: Likely benign for Hereditary breast ovarian cancer syndrome. Last evaluated: 2025-10-17. Review status: criteria provided, single submitter. Criteria: Invitae Variant Classification Sherloc (09022015). Collection method: clinical testing. Allele origin: germline.

Ambry Genetics
Classification: Likely benign for Hereditary cancer-predisposing syndrome. Last evaluated: 2024-12-19. Review status: criteria provided, single submitter. Criteria: Ambry Variant Classification Scheme 2023. Collection method: clinical testing. Allele origin: germline.

All of Us Research Program, National Institutes of Health
Classification: Benign for Breast-ovarian cancer, familial, susceptibility to, 2. Last evaluated: 2023-10-27. Review status: criteria provided, single submitter. Criteria: ACMG Guidelines, 2015. Collection method: clinical testing. Allele origin: germline. Inheritance: Autosomal dominant inheritance. Observed: 1 variant allele, 1 heterozygote.
Comment: This study involves interpretation of variants in research participants for the purpose of population health screening. Participant phenotype was not available at the time of variant classification. Additional details can be found in publication PMID: 35346344, PMCID: PMC8962531

Women's Health and Genetics/Laboratory Corporation of America, LabCorp
Classification: Likely benign. Last evaluated: 2021-07-12. Review status: criteria provided, single submitter. Criteria: LabCorp Variant Classification Summary - May 2015. Collection method: clinical testing. Allele origin: germline.
Comment: Variant summary: BRCA2 c.9605C>T (p.Pro3202Leu) results in a non-conservative amino acid change in the encoded protein sequence. Four of five in-silico tools predict a benign effect of the variant on protein function. The variant has been shown in functional studies to have no impact on splicing (Houdayer_2012). The variant allele was found at a frequency of 4e-06 in 251406 control chromosomes. The available data on variant occurrences in the general population are insufficient to allow any conclusion about variant significance. c.9605C>T has been reported in the literature as a VUS in settings of multigene panel testing in at-least one Japanese individual affected with breast cancer (example Momozawa_2018) and as a neutral missense variant in an individual with luminal breast tumor who also carried BRCA2 c.1306A>T (p.K436X) (example, Manie_2016). These report(s) do not provide unequivocal conclusions about association of the variant with Hereditary Breast And Ovarian Cancer Syndrome. Multiple co-occurrences with other pathogenic variant(s) have been reported in the UMD database and in the literature (UMD database-BRCA2 c.4022C>A, p.Ser1341*; BRCA2 c.8331+2T>C; Manie_2016, BRCA2 c.1306A>T, p.K436*), providing supporting evidence for a benign role. Five clinical diagnostic laboratories have submitted clinical-significance assessments for this variant to ClinVar after 2014 without evidence for independent evaluation. Multiple laboratories reported the variant with conflicting assessments (benign, n=1; likely benign, n=2; VUS, n=3). Some submitters cite overlapping evidence utilized in the context of this evaluation. Based on the evidence outlined above, the variant was re-classified as likely benign.

GeneDx
Classification: Likely benign. Last evaluated: 2019-02-05. Review status: criteria provided, single submitter. Criteria: GeneDx Variant Classification Process June 2021. Collection method: clinical testing. Allele origin: germline. Affected: yes.
Comment: This variant is associated with the following publications: (PMID: 25348012, 22505045, 30287823)

Color Diagnostics, LLC DBA Color Health
Classification: Benign for Hereditary cancer-predisposing syndrome. Last evaluated: 2016-10-06. Review status: criteria provided, single submitter. Criteria: ACMG Guidelines, 2015. Collection method: clinical testing. Allele origin: germline.

Counsyl
Classification: Uncertain significance for Breast-ovarian cancer, familial, susceptibility to, 2. Last evaluated: 2016-04-28. Review status: no assertion criteria provided. Collection method: clinical testing. Allele origin: unknown. Not counted in ClinVar's aggregate classification.

Sharing Clinical Reports Project (SCRP)
Classification: Uncertain significance for Breast-ovarian cancer, familial 2. Last evaluated: 2012-05-01. Review status: no assertion criteria provided. Collection method: clinical testing. Allele origin: germline. Not counted in ClinVar's aggregate classification.

Literature cited by the submitters: PubMed 30287823 (cited by Ambry Genetics and Women's Health and Genetics/Laboratory Corporation of America, LabCorp); PubMed 22505045 (cited by Women's Health and Genetics/Laboratory Corporation of America, LabCorp and Counsyl); PubMed 26317927 (cited by Women's Health and Genetics/Laboratory Corporation of America, LabCorp).